The following is an entry in ClinVar:

ClinVar aggregate classification (germline): Uncertain significance (1 of 4 stars; one submission).

Conditions:
Hereditary cancer-predisposing syndrome. Also called: Tumor predisposition; Hereditary Cancer Syndrome; Hereditary neoplastic syndrome; Neoplastic Syndromes, Hereditary. Identifiers: Orphanet 140162, MedGen C0027672, MeSH D009386, MONDO:0015356.

Submission:

Ambry Genetics
Classification: Uncertain significance for Hereditary cancer-predisposing syndrome. Last evaluated: 2016-12-29. Review status: criteria provided, single submitter. Criteria: Ambry Variant Classification Scheme 2023. Collection method: clinical testing. Allele origin: germline.
Comment: The p.V132L variant (also known as c.394G>C), located in coding exon 4 of the PALB2 gene, results from a G to C substitution at nucleotide position 394. The valine at codon 132 is replaced by leucine, an amino acid with highly similar properties. This amino acid position is not well conserved in available vertebrate species. In addition, this alteration is predicted to be tolerated by in silico analysis. Since supporting evidence is limited at this time, the clinical significance of this alteration remains unclear.

NM_024675.4(PALB2):c.394G>C (p.Val132Leu)

Gene: PALB2 (partner and localizer of BRCA2; minus strand). Cytogenetic location: 16p12.2.
Variant type: single nucleotide variant.
Coding change: c.394G>C on transcript NM_024675.4 (MANE Select); coding-DNA position 394, G replaced by C.
Protein change: p.Val132Leu; replaces valine 132 with leucine.
Molecular consequence: missense variant.
Genome position (GRCh38, 1-based): chr16:23,636,152, C>G on the plus strand (G>C on the coding strand, the complement: PALB2 is on the minus strand). VCF-style: chr16-23636152-C-G. GRCh37 (hg19) VCF-style: chr16-23647473-C-G.
Other names: short protein forms V132L.
Identifiers: ClinVar variation 486019 (VCV000486019.5), dbSNP rs1555461807, ClinGen allele CA395137428.
Genomic context (GRCh38, chr16:23,636,152, plus strand): 5'-TCTGCTGCTTCTTTCTTCTGCTTGGCAGCTTCTGCTTTTGCTCACCACTAGGGTCACTGA[C>G]CCTGTGGGGAAAATGTTCTTGGGTGTCATCTGTTCTTTGTATAGGTAATCCTCCTGGGCC-3'
Protein context (NP_078951.2, residues 122-142): DDTQEHFPHR[Val132Leu]SDPSGEQKQK